The following is an entry in ClinVar:

NM_177438.3(DICER1):c.574C>G (p.Leu192Val)

Gene: DICER1 (dicer 1, ribonuclease III; minus strand). Cytogenetic location: 14q32.13.
Variant type: single nucleotide variant.
Coding change: c.574C>G on transcript NM_177438.3 (MANE Select); coding-DNA position 574, C replaced by G.
Protein change: p.Leu192Val; replaces leucine 192 with valine.
Molecular consequence: missense variant.
Genome position (GRCh38, 1-based): chr14:95,129,632, G>C on the plus strand (C>G on the coding strand, the complement: DICER1 is on the minus strand). VCF-style: chr14-95129632-G-C. GRCh37 (hg19) VCF-style: chr14-95595969-G-C.
Other names: c.574C>G, p.Leu192Val (NM_001195573.1, NM_001271282.3, NM_001291628.2 and 1 more transcripts); short protein forms L192V.
Identifiers: ClinVar variation 825939 (VCV000825939.14), dbSNP rs1595457308, ClinGen allele CA390888310.

ClinVar aggregate classification (germline): Uncertain significance. Review status: criteria provided, multiple submitters, no conflicts (2 of 4 stars). 2 submissions from 2 submitters: Uncertain significance (2). Last evaluated 2022-02-20.

Conditions:
DICER1-related tumor predisposition. Also called: DICER1-related pleuropulmonary blastoma cancer predisposition syndrome; DICER1 syndrome. Identifiers: Orphanet 284343, MedGen C3839822, MONDO:0100216.
Hereditary cancer-predisposing syndrome. Also called: Neoplastic Syndromes, Hereditary; Hereditary Cancer Syndrome; Hereditary neoplastic syndrome; Tumor predisposition. Identifiers: Orphanet 140162, MedGen C0027672, MeSH D009386, MONDO:0015356.

Allele frequency attached by ClinVar (database versions not stated): gnomAD 0.00001.
gnomAD v4.1: 2 of 1,610,230 alleles (0.00012%); highest among the groups gnomAD compares: Admixed American, 0.0033%; no homozygotes.

Submissions (2):

Labcorp Genetics (formerly Invitae), Labcorp
Classification: Uncertain significance for DICER1-related tumor predisposition. Last evaluated: 2022-02-20. Review status: criteria provided, single submitter. Criteria: Invitae Variant Classification Sherloc (09022015). Collection method: clinical testing. Allele origin: germline.
Comment: In summary, the available evidence is currently insufficient to determine the role of this variant in disease. Therefore, it has been classified as a Variant of Uncertain Significance. Algorithms developed to predict the effect of sequence changes on RNA splicing suggest that this variant may disrupt the consensus splice site. This variant has not been reported in the literature in individuals affected with DICER1-related conditions. ClinVar contains an entry for this variant (Variation ID: 825939). This variant is not present in population databases (gnomAD no frequency). This sequence change replaces leucine, which is neutral and non-polar, with valine, which is neutral and non-polar, at codon 192 of the DICER1 protein (p.Leu192Val). Algorithms developed to predict the effect of missense changes on protein structure and function (SIFT, PolyPhen-2, Align-GVGD) all suggest that this variant is likely to be tolerated.

Ambry Genetics
Classification: Uncertain significance for Hereditary cancer-predisposing syndrome. Last evaluated: 2019-05-07. Review status: criteria provided, single submitter. Criteria: Ambry Variant Classification Scheme 2023. Collection method: clinical testing. Allele origin: germline.
Comment: The p.L192V variant (also known as c.574C>G) is located in coding exon 5 of the DICER1 gene. The leucine at codon 192 is replaced by valine, an amino acid with highly similar properties. This change occurs in the first base pair of coding exon 5. This amino acid position is not well conserved in available vertebrate species. In addition, this alteration is predicted to be tolerated by in silico analysis. Since supporting evidence is limited at this time, the clinical significance of this alteration remains unclear.